The following is an entry in ClinVar:

NM_000132.4(F8):c.1814A>G (p.Tyr605Cys)

Gene: F8 (coagulation factor VIII; minus strand). Cytogenetic location: Xq28.
Variant type: single nucleotide variant.
Coding change: c.1814A>G on transcript NM_000132.4 (MANE Select); coding-DNA position 1814, A replaced by G.
Protein change: p.Tyr605Cys; replaces tyrosine 605 with cysteine.
Molecular consequence: missense variant.
Genome position (GRCh38, 1-based): chrX:154,953,981, T>C on the plus strand (A>G on the coding strand, the complement: F8 is on the minus strand). VCF-style: chrX-154953981-T-C. GRCh37 (hg19) VCF-style: chrX-154182256-T-C.
Other names: NM_000132.4:c.1814A>G; short protein forms Y605C.
Identifiers: ClinVar variation 4087776 (VCV004087776.1).

ClinVar aggregate classification (germline): Pathogenic (3 of 4 stars; one submission).

Conditions:
Hereditary factor VIII deficiency disease (HEMA). Also called: HEMOPHILIA, CLASSIC; AUTOSOMAL HEMOPHILIA A; Hemophilia A; Hemophilia A, congenital; HEM A; Factor 8 deficiency, congenital. Identifiers: Orphanet 98878, MedGen C0019069, MONDO:0010602, OMIM 306700.

Submission:

ClinGen Coagulation Factor Deficiency Variant Curation Expert Panel, Clingen
Classification: Pathogenic for Hereditary factor VIII deficiency disease. Last evaluated: 2025-05-02. Review status: reviewed by expert panel. Criteria: ClinGen CoagFactor ACMG Specifications F8 V1.0.0. Collection method: curation. Allele origin: germline. Inheritance: X-linked inheritance.
Comment: The c.1814A>G (p.Tyr605Cys) variant is absent from population database gnomAD v2.1.1 and v3.1.2 meeting PM2_Supporting criteria. The missense variant has a REVEL score of 0.957 (>0.6), meeting criteria for PP3. Seven probands with moderate-severe hemophilia A are reported in the literature and internal laboratory data who meet F8 phenotype criteria and criteria for PS4 or PP4_Moderate (PMIDs: 18217193, 21883705, 18691168, 29296726). At least 4 related individuals with this variant were identified in the My Life Our Future Project (PMID: 29296726), meeting criteria for PP1_Moderate. In summary, this variant meets criteria to be classified as pathogenic. ACMG/AMP criteria applied, as specified by the Coagulation Factor Deficiency Variant Curation Expert Panel for F8: PS4, PP4_Moderate, PP1_Moderate, PP3, PM2_Supporting.